The following is an entry in ClinVar:

NM_001360.3(DHCR7):c.752T>A (p.Ile251Asn)

Gene: DHCR7 (7-dehydrocholesterol reductase; minus strand). Cytogenetic location: 11q13.4.
Variant type: single nucleotide variant.
Coding change: c.752T>A on transcript NM_001360.3 (MANE Select); coding-DNA position 752, T replaced by A.
Protein change: p.Ile251Asn; replaces isoleucine 251 with asparagine.
Molecular consequence: missense variant.
Genome position (GRCh38, 1-based): chr11:71,438,958, A>T on the plus strand (T>A on the coding strand, the complement: DHCR7 is on the minus strand). VCF-style: chr11-71438958-A-T. GRCh37 (hg19) VCF-style: chr11-71150004-A-T.
Other names: c.752T>A, p.Ile251Asn (NM_001163817.2, NM_001425109.1, NM_001425110.1 and 6 more transcripts); c.803T>A, p.Ile268Asn (NM_001425107.1); c.788T>A, p.Ile263Asn (NM_001425108.1); c.692T>A, p.Ile231Asn (NM_001425113.1); c.656T>A, p.Ile219Asn (NM_001425114.1, NM_001425116.1); c.578T>A, p.Ile193Asn (NM_001425117.1); short protein forms I193N, I219N, I231N, I251N, I263N, I268N.
Identifiers: ClinVar variation 3629651 (VCV003629651.1).
Genomic context (GRCh38, chr11:71,438,958, plus strand): 5'-ACCATGGCATTGGTCACATGGCTGTGGAGCTCCCGCTGCTTCGCTGCGAAGGACAGGTTG[A>T]TGAGGGTCCAGGCGACGATCCCGGGGCGCCCATTGAAGAACAGCTTGAAGTCAAACCACT-3'
Protein context (NP_001351.2, residues 241-261): GRPGIVAWTL[Ile251Asn]NLSFAAKQRE

ClinVar aggregate classification (germline): Uncertain significance (1 of 4 stars; one submission).

Submission:

Women's Health and Genetics/Laboratory Corporation of America, LabCorp
Classification: Uncertain significance. Last evaluated: 2024-11-13. Review status: criteria provided, single submitter. Criteria: LabCorp Variant Classification Summary - May 2015. Collection method: clinical testing. Allele origin: germline.
Comment: Variant summary: DHCR7 c.752T>A (p.Ile251Asn) results in a non-conservative amino acid change in the encoded protein sequence. Five of five in-silico tools predict a damaging effect of the variant on protein function. The variant was absent in 251286 control chromosomes. The available data on variant occurrences in the general population are insufficient to allow any conclusion about variant significance. c.752T>A has been reported in the literature in a compound heterozygous individual affected with Smith-Lemli-Opitz Syndrome (Romano_2005). These data do not allow any conclusion about variant significance. To our knowledge, no experimental evidence demonstrating an impact on protein function has been reported. The following publication have been ascertained in the context of this evaluation (PMID: 16392899). No submitters have cited clinical-significance assessments for this variant to ClinVar. Based on the evidence outlined above, the variant was classified as uncertain significance.

Literature cited by the submitters: PubMed 16392899.